The following is an entry in ClinVar:

NM_002471.4(MYH6):c.5627A>G (p.Lys1876Arg)

Gene: MYH6 (myosin heavy chain 6; minus strand). Cytogenetic location: 14q11.2.
Variant type: single nucleotide variant.
Coding change: c.5627A>G on transcript NM_002471.4 (MANE Select); coding-DNA position 5627, A replaced by G.
Protein change: p.Lys1876Arg; replaces lysine 1876 with arginine.
Molecular consequence: missense variant.
Genome position (GRCh38, 1-based): chr14:23,383,259, T>C on the plus strand (A>G on the coding strand, the complement: MYH6 is on the minus strand). VCF-style: chr14-23383259-T-C. GRCh37 (hg19) VCF-style: chr14-23852468-T-C.
Other names: short protein forms K1876R.
Identifiers: ClinVar variation 582103 (VCV000582103.18), dbSNP rs201919534, ClinGen allele CA7114332.

ClinVar aggregate classification (germline): Uncertain significance. Review status: criteria provided, multiple submitters, no conflicts (2 of 4 stars). 4 submissions from 4 submitters: Uncertain significance (4). Last evaluated 2026-01-19.

Conditions:
Atrial septal defect 3 (ASD3). Identifiers: Orphanet 1478, MedGen C3279790, MONDO:0013567, OMIM 614089.
Sick sinus syndrome 3, susceptibility to (SSS3). Identifiers: Orphanet 166282, MedGen C3279791, MONDO:0013568, OMIM 614090.
Hypertrophic cardiomyopathy 1 (CMH1). Also called: MYH7-Related Familial Hypertrophic Cardiomyopathy; Familial hypertrophic cardiomyopathy 1. Identifiers: MedGen C3495498, MONDO:0008647, OMIM 192600.
Dilated cardiomyopathy 1EE (CMD1EE). Identifiers: Orphanet 154, MedGen C2750466, MONDO:0013198, OMIM 613252.
Hypertrophic cardiomyopathy 14. Identifiers: MedGen C2750467, MONDO:0013197, OMIM 613251.
Cardiovascular phenotype. Identifiers: MedGen CN230736.

Allele frequency attached by ClinVar (database versions not stated): gnomAD exomes 0.00002 and 0.00005; ExAC 0.00008; 1000 Genomes Project 30x 0.00016; 1000 Genomes Project 0.00020; ESP Exome Variant Server 0.00023; gnomAD 0.00030 and 0.00033; TOPMed 0.00034.
gnomAD v4.1: 77 of 1,590,268 alleles (0.0048%); highest among the groups gnomAD compares: African/African-American, 0.09%; no homozygotes.

Submissions (4):

Labcorp Genetics (formerly Invitae), Labcorp
Classification: Uncertain significance for Hypertrophic cardiomyopathy 14. Last evaluated: 2026-01-19. Review status: criteria provided, single submitter. Criteria: Invitae Variant Classification Sherloc (09022015). Collection method: clinical testing. Allele origin: germline.
Comment: This sequence change replaces lysine, which is basic and polar, with arginine, which is basic and polar, at codon 1876 of the MYH6 protein (p.Lys1876Arg). This variant is present in population databases (rs201919534, gnomAD 0.07%), and has an allele count higher than expected for a pathogenic variant. This variant has not been reported in the literature in individuals affected with MYH6-related conditions. ClinVar contains an entry for this variant (Variation ID: 582103). Invitae Evidence Modeling of protein sequence and biophysical properties (such as structural, functional, and spatial information, amino acid conservation, physicochemical variation, residue mobility, and thermodynamic stability) has been performed for this missense variant. However, the output from this modeling did not meet the statistical confidence thresholds required to predict the impact of this variant on MYH6 protein function. In summary, the available evidence is currently insufficient to determine the role of this variant in disease. Therefore, it has been classified as a Variant of Uncertain Significance.

Ambry Genetics
Classification: Uncertain significance for Cardiovascular phenotype. Last evaluated: 2025-05-03. Review status: criteria provided, single submitter. Criteria: Ambry Variant Classification Scheme 2023. Collection method: clinical testing. Allele origin: germline.
Comment: The p.K1876R variant (also known as c.5627A>G), located in coding exon 35 of the MYH6 gene, results from an A to G substitution at nucleotide position 5627. The lysine at codon 1876 is replaced by arginine, an amino acid with highly similar properties. This amino acid position is highly conserved in available vertebrate species. In addition, the in silico prediction for this alteration is inconclusive. Since supporting evidence is limited at this time, the clinical significance of this alteration remains unclear.

GeneDx
Classification: Uncertain significance. Last evaluated: 2023-08-22. Review status: criteria provided, single submitter. Criteria: GeneDx Variant Classification Process June 2021. Collection method: clinical testing. Allele origin: germline. Affected: yes.
Comment: Has not been previously published as pathogenic or benign to our knowledge; In silico analysis supports that this missense variant does not alter protein structure/function

Fulgent Genetics
Classification: Uncertain significance for Hypertrophic cardiomyopathy 1; Hypertrophic cardiomyopathy 14; Dilated cardiomyopathy 1EE; Atrial septal defect 3; Sick sinus syndrome 3, susceptibility to. Last evaluated: 2021-07-26. Review status: criteria provided, single submitter. Criteria: ACMG Guidelines, 2015. Collection method: clinical testing. Allele origin: unknown.